The following is an entry in ClinVar:

ClinVar aggregate classification (germline): Benign (1 of 4 stars; one submission).

gnomAD v4.1: 110 of 398,198 alleles (0.028%); highest among the groups gnomAD compares: South Asian, 0.22%; no homozygotes.

Submission:

CeGaT Center for Human Genetics Tuebingen
Classification: Benign. Last evaluated: 2025-09-01. Review status: criteria provided, single submitter. Criteria: CeGaT Center For Human Genetics Tuebingen Variant Classification Criteria Version 2. Collection method: clinical testing. Allele origin: germline. Affected: yes. Observed: 1 variant allele.
Comment: KCNQ1OT1: BS1, BS2

NM_000218.3(KCNQ1):c.1394-21659C>T

Genes: KCNQ1 (potassium voltage-gated channel subfamily Q member 1; plus strand), KCNQ1OT1 (KCNQ1 opposite strand/antisense transcript 1; minus strand). Cytogenetic location: 11p15.5.
Variant type: single nucleotide variant.
Coding change: c.1394-21659C>T on transcript NM_000218.3 (MANE Select); 21659 bases into the intron before coding-DNA position 1394, C replaced by T.
Molecular consequence: intron variant. On other transcripts: non-coding transcript variant (1).
Genome position (GRCh38, 1-based): chr11:2,640,302, C>T. VCF-style: chr11-2640302-C-T. GRCh37 (hg19) VCF-style: chr11-2661532-C-T.
Other names: c.1124-21659C>T (NM_001406837.1); c.1298-21659C>T (NM_001406836.1); c.854-21659C>T (NM_001406838.1); c.1013-21659C>T (NM_181798.2).
Identifiers: ClinVar variation 4281176 (VCV004281176.7).
Genomic context (GRCh38, chr11:2,640,302, plus strand): 5'-TGAGATGAACCCACTACCTCAGTTGGAAATGCAGAAATCACCCATCTTCTGCGTCACTCA[C>T]GCTGGGAGCTATAGACTGGAGCTCCTCCTATTCGGCCATCTTGGAACCACCCCACTTACT-3'